The following is an entry in ClinVar:

ClinVar aggregate classification (germline): Likely benign. Review status: criteria provided, multiple submitters, no conflicts (2 of 4 stars). 2 submissions from 2 submitters: Likely benign (2). Last evaluated 2026-03-01.

Allele frequency attached by ClinVar (database versions not stated): gnomAD exomes 0.00011 and 0.00018; gnomAD 0.00014 and 0.00015; ExAC 0.00017; TOPMed 0.00029; ESP Exome Variant Server 0.00009.
gnomAD v4.1: 136 of 1,208,724 alleles (0.011%); highest among the groups gnomAD compares: Admixed American, 0.081%; no homozygotes.

Submissions (2):

CeGaT Center for Human Genetics Tuebingen
Classification: Likely benign. Last evaluated: 2026-03-01. Review status: criteria provided, single submitter. Criteria: CeGaT Center For Human Genetics Tuebingen Variant Classification Criteria Version 2. Collection method: clinical testing. Allele origin: germline. Affected: yes. Observed: 1 variant allele.
Comment: CCDC22: BS2

Labcorp Genetics (formerly Invitae), Labcorp
Classification: Likely benign. Last evaluated: 2018-07-06. Review status: criteria provided, single submitter. Criteria: Invitae Variant Classification Sherloc (09022015). Collection method: clinical testing. Allele origin: germline.

NM_014008.5(CCDC22):c.1738A>G (p.Ile580Val)

Gene: CCDC22 (CCC complex scaffolding subunit CCDC22; plus strand). Cytogenetic location: Xp11.23.
Variant type: single nucleotide variant.
Coding change: c.1738A>G on transcript NM_014008.5 (MANE Select); coding-DNA position 1738, A replaced by G.
Protein change: p.Ile580Val; replaces isoleucine 580 with valine.
Molecular consequence: missense variant.
Genome position (GRCh38, 1-based): chrX:49,249,693, A>G. VCF-style: chrX-49249693-A-G. GRCh37 (hg19) VCF-style: chrX-49106154-A-G.
Other names: short protein forms I580V.
Identifiers: ClinVar variation 739722 (VCV000739722.7), dbSNP rs372319187, ClinGen allele CA10411601.